The following is an entry in ClinVar:

NM_002480.3(PPP1R12A):c.787A>G (p.Lys263Glu)

Gene: PPP1R12A (protein phosphatase 1 regulatory subunit 12A; minus strand). Cytogenetic location: 12q21.2.
Variant type: single nucleotide variant.
Coding change: c.787A>G on transcript NM_002480.3 (MANE Select); coding-DNA position 787, A replaced by G.
Protein change: p.Lys263Glu; replaces lysine 263 with glutamic acid.
Molecular consequence: missense variant.
Genome position (GRCh38, 1-based): chr12:79,828,325, T>C on the plus strand (A>G on the coding strand, the complement: PPP1R12A is on the minus strand). VCF-style: chr12-79828325-T-C. GRCh37 (hg19) VCF-style: chr12-80222105-T-C.
Other names: c.787A>G, p.Lys263Glu (NM_001143885.2, NM_001244990.2, NM_001244992.1); c.526A>G, p.Lys176Glu (NM_001143886.2); short protein forms K176E, K263E.
Identifiers: ClinVar variation 3361752 (VCV003361752.1).
Genomic context (GRCh38, chr12:79,828,325, plus strand): 5'-TTCTAAAACTATATTTCTAAAAGTTAAAGTATTAAAATACGTTTAAAACGCCTACCACTT[T>C]GTTGACCATCTCCATATCACACAGATTGTCCACTAAAATTCGACATGCTTCTTCTTTACC-3'
Protein context (NP_002471.1, residues 253-273): DNLCDMEMVN[Lys263Glu]VGQTAFDVAD

ClinVar aggregate classification (germline): Uncertain significance (1 of 4 stars; one submission).

gnomAD v4.1: 1 of 1,608,064 alleles (0.000062%); highest among the groups gnomAD compares: Non-Finnish European, 0.000085%; no homozygotes.

Submission:

GeneDx
Classification: Uncertain significance. Last evaluated: 2023-08-07. Review status: criteria provided, single submitter. Criteria: GeneDx Variant Classification Process June 2021. Collection method: clinical testing. Allele origin: germline. Affected: yes.
Comment: Not observed at significant frequency in large population cohorts (gnomAD); In silico analysis supports that this missense variant has a deleterious effect on protein structure/function; Has not been previously published as pathogenic or benign to our knowledge